The following is an entry in ClinVar:

ClinVar aggregate classification (germline): Uncertain significance (1 of 4 stars; one submission).

gnomAD v4.1: 20 of 1,614,002 alleles (0.0012%); highest among the groups gnomAD compares: Non-Finnish European, 0.0015%; no homozygotes.

Submission:

Labcorp Genetics (formerly Invitae), Labcorp
Classification: Uncertain significance. Last evaluated: 2025-09-01. Review status: criteria provided, single submitter. Criteria: Invitae Variant Classification Sherloc (09022015). Collection method: clinical testing. Allele origin: germline.
Comment: This sequence change replaces proline, which is neutral and non-polar, with alanine, which is neutral and non-polar, at codon 701 of the NCSTN protein (p.Pro701Ala). This variant is not present in population databases (gnomAD no frequency). This variant has not been reported in the literature in individuals affected with NCSTN-related conditions. ClinVar contains an entry for this variant (Variation ID: 1965592). An algorithm developed to predict the effect of missense changes on protein structure and function (PolyPhen-2) suggests that this variant is likely to be tolerated. In summary, the available evidence is currently insufficient to determine the role of this variant in disease. Therefore, it has been classified as a Variant of Uncertain Significance.

NM_015331.3(NCSTN):c.2101C>G (p.Pro701Ala)

Gene: NCSTN (nicastrin; plus strand). Cytogenetic location: 1q23.2.
Variant type: single nucleotide variant.
Coding change: c.2101C>G on transcript NM_015331.3 (MANE Select); coding-DNA position 2101, C replaced by G.
Protein change: p.Pro701Ala; replaces proline 701 with alanine.
Molecular consequence: missense variant.
Genome position (GRCh38, 1-based): chr1:160,358,242, C>G. VCF-style: chr1-160358242-C-G. GRCh37 (hg19) VCF-style: chr1-160328032-C-G.
Other names: c.2041C>G, p.Pro681Ala (NM_001290184.2); c.1687C>G, p.Pro563Ala (NM_001290186.2); c.1888C>G, p.Pro630Ala (NM_001349729.2); short protein forms P563A, P701A, P630A, P681A.
Identifiers: ClinVar variation 1965592 (VCV001965592.5), dbSNP rs756588000, ClinGen allele CA343283860.